The following is an entry in ClinVar:

ClinVar aggregate classification (germline): Uncertain significance (1 of 4 stars; one submission).

Conditions:
Hereditary cancer-predisposing syndrome. Also called: Neoplastic Syndromes, Hereditary; Tumor predisposition; Hereditary Cancer Syndrome; Hereditary neoplastic syndrome. Identifiers: Orphanet 140162, MedGen C0027672, MeSH D009386, MONDO:0015356.

Submission:

Ambry Genetics
Classification: Uncertain significance for Hereditary cancer-predisposing syndrome. Last evaluated: 2026-01-03. Review status: criteria provided, single submitter. Criteria: Ambry Variant Classification Scheme 2023. Collection method: clinical testing. Allele origin: germline.
Comment: The p.L965V variant (also known as c.2893C>G), located in coding exon 25 of the POLE gene, results from a C to G substitution at nucleotide position 2893. The leucine at codon 965 is replaced by valine, an amino acid with highly similar properties. This amino acid position is conserved. In addition, this alteration is predicted to be tolerated by in silico analysis. Based on the available evidence, the clinical significance of this variant remains unclear.

NM_006231.4(POLE):c.2893C>G (p.Leu965Val)

Gene: POLE (DNA polymerase epsilon, catalytic subunit; minus strand). Cytogenetic location: 12q24.33.
Variant type: single nucleotide variant.
Coding change: c.2893C>G on transcript NM_006231.4 (MANE Select); coding-DNA position 2893, C replaced by G.
Protein change: p.Leu965Val; replaces leucine 965 with valine.
Molecular consequence: missense variant.
Genome position (GRCh38, 1-based): chr12:132,661,136, G>C on the plus strand (C>G on the coding strand, the complement: POLE is on the minus strand). VCF-style: chr12-132661136-G-C. GRCh37 (hg19) VCF-style: chr12-133237722-G-C.
Other names: short protein forms L965V.
Identifiers: ClinVar variation 4841543 (VCV004841543.1).